The following is an entry in ClinVar:

NM_001276270.2(MBD4):c.1702del (p.His568fs)

Gene: MBD4 (methyl-CpG binding domain 4, DNA glycosylase; minus strand). Cytogenetic location: 3q21.3.
Variant type: Deletion.
Coding change: c.1702del on transcript NM_001276270.2 (MANE Select); coding-DNA position 1702, one base deleted (C; older notation c.1702delC).
Protein change: p.His568fs; shifts the reading frame from histidine 568.
Molecular consequence: frameshift variant. On other transcripts: 3 prime UTR variant (1).
Genome position (GRCh38, 1-based): chr3:129,431,524, G deleted on the plus strand (C on the coding strand, the reverse complement: MBD4 is on the minus strand). VCF-style (leftmost placement, unchanged base first): chr3-129431523-TG-T. GRCh37 (hg19) VCF-style: chr3-129150366-TG-T.
Other names: c.1702delC (NM_001276270.2); c.*44del (NM_001276272.2); c.766del, p.His256fs (NM_001276273.2); c.1720del, p.His574fs (NM_003925.3); short protein forms H568fs, H574fs, H256fs.
Identifiers: ClinVar variation 4104598 (VCV004104598.2).

ClinVar aggregate classification (germline): Uncertain significance. Review status: criteria provided, multiple submitters, no conflicts (2 of 4 stars). 2 submissions from 2 submitters: Uncertain significance (2). Last evaluated 2025-06-26.

Conditions:
Inborn genetic diseases. Identifiers: MedGen C0950123, MeSH D030342.

Submissions (2):

Ambry Genetics
Classification: Uncertain significance for Inborn genetic diseases. Last evaluated: 2025-06-26. Review status: criteria provided, single submitter. Criteria: Ambry Variant Classification Scheme 2023. Collection method: clinical testing. Allele origin: germline.
Comment: The c.1702delC variant, located in coding exon 8 of the MBD4 gene, results from a deletion of one nucleotide at nucleotide position 1702, causing a translational frameshift with a predicted alternate stop codon (p.H568Mfs*4). This alteration occurs at the 3' terminus of theMBD4 gene, is not expected to trigger nonsense-mediated mRNAdecay, and impacts the last 7 amino acids of the protein. The exact functional effect of this alteration is unknown. Based on the available evidence, the clinical significance of this variant remains unclear.

Labcorp Genetics (formerly Invitae), Labcorp
Classification: Uncertain significance. Last evaluated: 2025-03-30. Review status: criteria provided, single submitter. Criteria: Invitae Variant Classification Sherloc (09022015). Collection method: clinical testing. Allele origin: germline.
Comment: This sequence change creates a premature translational stop signal (p.His574Metfs*4) in the MBD4 gene. While this is not anticipated to result in nonsense mediated decay, it is expected to disrupt the last 7 amino acid(s) of the MBD4 protein. This variant is not present in population databases (gnomAD no frequency). This variant has not been reported in the literature in individuals affected with MBD4-related conditions. Experimental studies and prediction algorithms are not available or were not evaluated, and the functional significance of this variant is currently unknown. Algorithms developed to predict the effect of sequence changes on RNA splicing suggest that this variant may disrupt the consensus splice site. In summary, the available evidence is currently insufficient to determine the role of this variant in disease. Therefore, it has been classified as a Variant of Uncertain Significance.